The following is an entry in ClinVar:

ClinVar aggregate classification (germline): Benign (1 of 4 stars; one submission).

Allele frequency attached by ClinVar (database versions not stated): gnomAD 0.06463 and 0.06900; 1000 Genomes Project 0.06869; TOPMed 0.07350; 1000 Genomes Project 30x 0.07495.
gnomAD v4.1: 9,734 of 152,236 alleles (6.4%); highest among the groups gnomAD compares: African/African-American, 21%; 941 homozygotes.

Submission:

GeneDx
Classification: Benign. Last evaluated: 2018-06-16. Review status: criteria provided, single submitter. Criteria: GeneDx Variant Classification (06012015). Collection method: clinical testing. Allele origin: germline. Affected: yes.
Comment: This variant is considered likely benign or benign based on one or more of the following criteria: it is a conservative change, it occurs at a poorly conserved position in the protein, it is predicted to be benign by multiple in silico algorithms, and/or has population frequency not consistent with disease.

NM_006393.3(NEBL):c.258+244T>C

Gene: NEBL (nebulette; minus strand). Cytogenetic location: 10p12.31.
Variant type: single nucleotide variant.
Coding change: c.258+244T>C on transcript NM_006393.3 (MANE Select); 244 bases into the intron after coding-DNA position 258, T replaced by C.
Molecular consequence: intron variant.
Genome position (GRCh38, 1-based): chr10:20,889,601, A>G on the plus strand (T>C on the coding strand, the complement: NEBL is on the minus strand). VCF-style: chr10-20889601-A-G. GRCh37 (hg19) VCF-style: chr10-21178530-A-G.
Other names: c.249+72071T>C (NM_001377326.1, NM_001377327.1, NM_001377328.1); c.357+72071T>C (NM_213569.2, NM_001173484.2, NM_001377322.1); c.300+72071T>C (NM_001377324.1); c.291+72071T>C (NM_001377325.1); c.309+72071T>C (NM_001377323.1).
Identifiers: ClinVar variation 678610 (VCV000678610.1), dbSNP rs71578977, ClinGen allele CA204172685.